The following is an entry in ClinVar:

NM_004360.5(CDH1):c.-50C>T

Genes: CDH1 (cadherin 1; plus strand), LOC130059290 (ATAC-STARR-seq lymphoblastoid silent region 7650; plus strand). Cytogenetic location: 16q22.1.
Variant type: single nucleotide variant.
Coding change: c.-50C>T on transcript NM_004360.5 (MANE Select); 50 bases upstream of the start codon, C replaced by T.
Molecular consequence: 5 prime UTR variant.
Genome position (GRCh38, 1-based): chr16:68,737,366, C>T. VCF-style: chr16-68737366-C-T. GRCh37 (hg19) VCF-style: chr16-68771269-C-T.
Other names: c.-50C>T (LRG_301t1, NM_001317184.2); c.-1665C>T (NM_001317185.2); c.-1869C>T (NM_001317186.2).
Identifiers: ClinVar variation 422227 (VCV000422227.3), dbSNP rs876660969, ClinGen allele CA16620222.

ClinVar aggregate classification (germline): Uncertain significance. Review status: reviewed by expert panel (3 of 4 stars). 2 submissions from 2 submitters: Uncertain significance (1). 1 of the submissions does not count toward it. Last evaluated 2023-08-21.

Conditions:
CDH1-related diffuse gastric and lobular breast cancer syndrome. Also called: CDH1-related diffuse gastric and lobular breast cancer. Identifiers: MedGen CN311521, MONDO:0100488.

Allele frequency attached by ClinVar (database versions not stated): gnomAD 0.00001.
gnomAD v4.1: 3 of 1,499,596 alleles (0.0002%); highest among the groups gnomAD compares: Non-Finnish European, 0.00018%; no homozygotes.

Submissions (2):

Clingen Gastric Cancer Variant Curation Expert Panel
Classification: Uncertain significance for CDH1-related diffuse gastric and lobular breast cancer syndrome. Last evaluated: 2023-08-21. Review status: reviewed by expert panel. Criteria: ClinGen CDH1 ACMG Specifications V3.1. Collection method: curation. Allele origin: germline. Inheritance: Autosomal dominant inheritance.
Comment: The c.-50C>T variant occurs in the 5'UTR. This variant has an allele frequency of 0.00001 (1 in 151,862) in gnomAD (PM2_Supporting); however, this variant occurs in a low complexity region of the reference genome version GRCh37/hg19. To our knowledge, the c.-50C>T variant has not been reported in the literature. Other single nucleotide variants in the CDH1 promoter have been shown to alter promoter activity, the c.-49G>T variant slightly increasing activity and the c.-54G>C variant decreasing activity based on luciferase assays (PMID: 23431106, 11996968). In summary, this variant is classified as a variant of uncertain significance based on insufficient ACMG/AMP criteria applied as specified by the CDH1 Variant Curation Expert Panel (Variant Interpretation Guidelines Version 3.1): PM2_Supporting.

GeneDx
Classification: Uncertain significance. Last evaluated: 2017-07-05. Review status: criteria provided, single submitter. Criteria: GeneDx Variant Classification (06012015). Collection method: clinical testing. Allele origin: germline. Affected: yes. Not counted in ClinVar's aggregate classification.
Comment: This variant is denoted CDH1 c.-50C>T, and describes a nucleotide substitution 50 base pairs upstream of the ATG translational start site in the 5' untranslated region (UTR). The surrounding sequence, with the base that is substituted in brackets, is GGCC[C/T]GACC. This variant does not appear to affect the start codon or the Kozak translational consensus sequence, and it is not predicted to affect splicing. The cytosine (C) nucleotide that is altered is not conserved across species. CDH1 c.-50C>T was not observed in large population cohorts; however, limited data are available (NHLBI Exome Sequencing Project, The 1000 Genomes Consortium 2015, Lek 2016). Although this particular variant has not, to our knowledge, been published in the literature, variants have been reported in this region at c.-49 and c.-54 per HGMD (Stenson 2013). Luciferase reporter assays showed that c.-49G>T contributes to a slight increase in promoter activity, while c.-54G>C significantly decreases (p = 0.003) promoter activity (Nakamura 2002, Chen 2013). Based on currently available information, it is unclear whether CDH1 c.-50C>T is a pathogenic or benign variant. We consider it to be a variant of uncertain significance.